The following is an entry in ClinVar:

NM_015272.5(RPGRIP1L):c.787C>T (p.Arg263Trp)

Gene: RPGRIP1L (RPGRIP1 like; minus strand). Cytogenetic location: 16q12.2.
Variant type: single nucleotide variant.
Coding change: c.787C>T on transcript NM_015272.5 (MANE Select); coding-DNA position 787, C replaced by T.
Protein change: p.Arg263Trp; replaces arginine 263 with tryptophan.
Molecular consequence: missense variant.
Genome position (GRCh38, 1-based): chr16:53,675,112, G>A on the plus strand (C>T on the coding strand, the complement: RPGRIP1L is on the minus strand). VCF-style: chr16-53675112-G-A. GRCh37 (hg19) VCF-style: chr16-53709024-G-A.
Other names: c.787C>T (NM_015272.4); c.787C>T, p.Arg263Trp (NM_001127897.4, NM_001308334.3, NM_001330538.2); short protein forms R263W.
Identifiers: ClinVar variation 3580875 (VCV003580875.2).
Genomic context (GRCh38, chr16:53,675,112, plus strand): 5'-AAAGAGCATTGCTTTTCTCTACTAGCTGTTTATGAAGCTTAATCATTTCTACATTGTCCC[G>A]AATATTTGACCTTCAGAGTTGTGTTTAAGAAAAAGAGAGACAGAAGTAAAAAACGCAAGT-3'
Protein context (NP_056087.2, residues 253-273): QQATDQRSNI[Arg263Trp]DNVEMIKLHK

ClinVar aggregate classification (germline): Uncertain significance. Review status: criteria provided, multiple submitters, no conflicts (2 of 4 stars). 2 submissions from 2 submitters: Uncertain significance (2). Last evaluated 2024-12-04.

Conditions:
RPGRIP1L-related disorder. Also called: RPGRIP1L-related condition; RPGRIP1L-related disorders. Identifiers: MedGen CN239416.
Meckel syndrome, type 5 (MKS5). Identifiers: Orphanet 564, MedGen C1969052, MONDO:0012695, OMIM 611561.
COACH syndrome 3. Identifiers: MedGen C5436841, MONDO:0030862, OMIM 619113.
Joubert syndrome 7 (JBTS7). Identifiers: Orphanet 220497, MedGen C1969053, MONDO:0012694, OMIM 611560.

Submissions (2):

PreventionGenetics, part of Exact Sciences
Classification: Uncertain significance for RPGRIP1L-related condition. Last evaluated: 2024-12-04. Review status: criteria provided, single submitter. Criteria: ACMG Guidelines, 2015. Collection method: clinical testing. Allele origin: germline.
Comment: The RPGRIP1L c.787C>T variant is predicted to result in the amino acid substitution p.Arg263Trp. To our knowledge, this variant has not been reported in the literature in patients with RPGRIP1L-related disorders. This variant is reported in 0.011% of alleles in individuals of East Asian descent in gnomAD. At this time, the clinical significance of this variant is uncertain due to the absence of conclusive functional and genetic evidence.

Fulgent Genetics
Classification: Uncertain significance for Joubert syndrome 7; Meckel syndrome, type 5; COACH syndrome 3. Last evaluated: 2024-02-10. Review status: criteria provided, single submitter. Criteria: ACMG Guidelines, 2015. Collection method: clinical testing. Allele origin: germline.